The following is an entry in ClinVar:

ClinVar aggregate classification (germline): Uncertain significance (1 of 4 stars; one submission).

Submission:

GeneDx
Classification: Uncertain significance. Last evaluated: 2022-12-14. Review status: criteria provided, single submitter. Criteria: GeneDx Variant Classification Process June 2021. Collection method: clinical testing. Allele origin: germline. Affected: yes.
Comment: Not observed at significant frequency in large population cohorts (gnomAD); In silico analysis supports that this missense variant has a deleterious effect on protein structure/function; Has not been previously published as pathogenic or benign to our knowledge

NM_006565.4(CTCF):c.901A>G (p.Arg301Gly)

Gene: CTCF (CCCTC-binding factor; plus strand). Cytogenetic location: 16q22.1.
Variant type: single nucleotide variant.
Coding change: c.901A>G on transcript NM_006565.4 (MANE Select); coding-DNA position 901, A replaced by G.
Protein change: p.Arg301Gly; replaces arginine 301 with glycine.
Molecular consequence: missense variant. On other transcripts: intron variant (1).
Genome position (GRCh38, 1-based): chr16:67,612,070, A>G. VCF-style: chr16-67612070-A-G. GRCh37 (hg19) VCF-style: chr16-67645973-A-G.
Other names: c.901A>G, p.Arg301Gly (NM_001363916.2); c.-32-4675A>G (NM_001191022.2); short protein forms R301G.
Identifiers: ClinVar variation 2505968 (VCV002505968.1), dbSNP rs2142828867, ClinGen allele CA396309578.